The following is an entry in ClinVar:

NM_001903.5(CTNNA1):c.495G>C (p.Arg165Ser)

Gene: CTNNA1 (catenin alpha 1; plus strand). Cytogenetic location: 5q31.2.
Variant type: single nucleotide variant.
Coding change: c.495G>C on transcript NM_001903.5 (MANE Select); coding-DNA position 495, G replaced by C.
Protein change: p.Arg165Ser; replaces arginine 165 with serine.
Molecular consequence: missense variant.
Genome position (GRCh38, 1-based): chr5:138,812,209, G>C. VCF-style: chr5-138812209-G-C. GRCh37 (hg19) VCF-style: chr5-138147898-G-C.
Other names: c.495G>C, p.Arg165Ser (NM_001290307.3, NM_001323982.2, NM_001323983.1 and 3 more transcripts); c.186G>C, p.Arg62Ser (NM_001290309.3); c.126G>C, p.Arg42Ser (NM_001290310.3); short protein forms R62S, R42S, R165S.
Identifiers: ClinVar variation 3654602 (VCV003654602.2).
Genomic context (GRCh38, chr5:138,812,209, plus strand): 5'-ATTTTTGGGTTTTGGGGTCTTTCTTATTTTATAGGTGGAAGATGGTATCTTGAAGTTGAG[G>C]AATGCTGGCAATGAACAAGACTTAGGAATCCAGTATAAAGCCCTAAAACCTGAAGTGGAT-3'
Protein context (NP_001894.2, residues 155-175): KVVEDGILKL[Arg165Ser]NAGNEQDLGI

ClinVar aggregate classification (germline): Uncertain significance (1 of 4 stars; one submission).

Submission:

Labcorp Genetics (formerly Invitae), Labcorp
Classification: Uncertain significance. Last evaluated: 2024-05-26. Review status: criteria provided, single submitter. Criteria: Invitae Variant Classification Sherloc (09022015). Collection method: clinical testing. Allele origin: germline.
Comment: This sequence change replaces arginine, which is basic and polar, with serine, which is neutral and polar, at codon 165 of the CTNNA1 protein (p.Arg165Ser). This variant is not present in population databases (gnomAD no frequency). This variant has not been reported in the literature in individuals affected with CTNNA1-related conditions. Advanced modeling of protein sequence and biophysical properties (such as structural, functional, and spatial information, amino acid conservation, physicochemical variation, residue mobility, and thermodynamic stability) performed at Invitae indicates that this missense variant is not expected to disrupt CTNNA1 protein function with a negative predictive value of 80%. In summary, the available evidence is currently insufficient to determine the role of this variant in disease. Therefore, it has been classified as a Variant of Uncertain Significance.